The following is an entry in ClinVar:

ClinVar aggregate classification (germline): Pathogenic (1 of 4 stars; one submission).

Conditions:
Congenital hyperammonemia, type I. Also called: CPS I DEFICIENCY; Carbamoyl phosphate synthetase 1 deficiency; Hyperammonemia due to carbamoyl phosphate synthetase 1 deficiency; CPS 1 deficiency; Carbamyl phosphate synthetase (CPS) deficiency; Carbamoyl-phosphate synthase I deficiency. Identifiers: Orphanet 147, MedGen C4082171, MONDO:0009376, OMIM 237300.

gnomAD v4.1: 2 of 1,613,852 alleles (0.00012%); highest among the groups gnomAD compares: Non-Finnish European, 0.00017%; no homozygotes.

Submission:

Labcorp Genetics (formerly Invitae), Labcorp
Classification: Pathogenic for Congenital hyperammonemia, type I. Last evaluated: 2023-09-21. Review status: criteria provided, single submitter. Criteria: Invitae Variant Classification Sherloc (09022015). Collection method: clinical testing. Allele origin: germline.
Comment: For these reasons, this variant has been classified as Pathogenic. Experimental studies have shown that this missense change affects CPS1 function (PMID: 15876373). Advanced modeling of protein sequence and biophysical properties (such as structural, functional, and spatial information, amino acid conservation, physicochemical variation, residue mobility, and thermodynamic stability) performed at Invitae indicates that this missense variant is expected to disrupt CPS1 protein function. ClinVar contains an entry for this variant (Variation ID: 1486720). This variant is also known as c.3389G>T. This missense change has been observed in individual(s) with carbamoyl phosphate synthetase I deficiency (PMID: 16737834). In at least one individual the data is consistent with being in trans (on the opposite chromosome) from a pathogenic variant. This variant is not present in population databases (gnomAD no frequency). This sequence change replaces arginine, which is basic and polar, with leucine, which is neutral and non-polar, at codon 1089 of the CPS1 protein (p.Arg1089Leu).

Literature cited by the submitters: PubMed 15876373; PubMed 16737834.

NM_001875.5(CPS1):c.3266G>T (p.Arg1089Leu)

Gene: CPS1 (carbamoyl-phosphate synthase 1; plus strand). Cytogenetic location: 2q34.
Variant type: single nucleotide variant.
Coding change: c.3266G>T on transcript NM_001875.5 (MANE Select); coding-DNA position 3266, G replaced by T.
Protein change: p.Arg1089Leu; replaces arginine 1089 with leucine.
Molecular consequence: missense variant. On other transcripts: non-coding transcript variant (2).
Genome position (GRCh38, 1-based): chr2:210,647,987, G>T. VCF-style: chr2-210647987-G-T. GRCh37 (hg19) VCF-style: chr2-211512711-G-T.
Other names: c.3266G>T, p.Arg1089Leu (NM_001122633.3, NM_001369257.1); c.3299G>T, p.Arg1100Leu (NM_001369256.1); short protein forms R1089L, R1100L.
Identifiers: ClinVar variation 1486720 (VCV001486720.6), dbSNP rs1280211937, ClinGen allele CA350436202.
Genomic context (GRCh38, chr2:210,647,987, plus strand): 5'-ACAAGAATGGTGTCAAGATCATGGGCACAAGCCCCCTGCAGATCGACAGGGCTGAGGATC[G>T]CTCCATCTTCTCAGCTGTCTTGGATGAGCTGAAGGTGGCTCAGGCACCTTGGAAAGCTGT-3'
Protein context (NP_001866.2, residues 1079-1099): SPLQIDRAED[Arg1089Leu]SIFSAVLDEL